The following is an entry in ClinVar:

ClinVar aggregate classification (germline): Uncertain significance (1 of 4 stars; one submission).

Allele frequency attached by ClinVar (database versions not stated): gnomAD exomes 0.00005; ExAC 0.00014; 1000 Genomes Project 0.00040; gnomAD 0.00042; TOPMed 0.00043; 1000 Genomes Project 30x 0.00047; ESP Exome Variant Server 0.00062.

Submission:

Labcorp Genetics (formerly Invitae), Labcorp
Classification: Uncertain significance. Last evaluated: 2022-07-19. Review status: criteria provided, single submitter. Criteria: Invitae Variant Classification Sherloc (09022015). Collection method: clinical testing. Allele origin: germline.
Comment: This sequence change replaces threonine, which is neutral and polar, with isoleucine, which is neutral and non-polar, at codon 437 of the MAPKBP1 protein (p.Thr437Ile). This variant is present in population databases (rs151201972, gnomAD 0.1%). This variant has not been reported in the literature in individuals affected with MAPKBP1-related conditions. Algorithms developed to predict the effect of missense changes on protein structure and function (SIFT, PolyPhen-2, Align-GVGD) all suggest that this variant is likely to be tolerated. In summary, the available evidence is currently insufficient to determine the role of this variant in disease. Therefore, it has been classified as a Variant of Uncertain Significance.

NM_014994.3(MAPKBP1):c.1292C>T (p.Thr431Ile)

Gene: MAPKBP1 (mitogen-activated protein kinase binding protein 1; plus strand). Cytogenetic location: 15q15.1.
Variant type: single nucleotide variant.
Coding change: c.1292C>T on transcript NM_014994.3 (MANE Select); coding-DNA position 1292, C replaced by T.
Protein change: p.Thr431Ile; replaces threonine 431 with isoleucine.
Molecular consequence: missense variant. On other transcripts: non-coding transcript variant (1).
Genome position (GRCh38, 1-based): chr15:41,815,380, C>T. VCF-style: chr15-41815380-C-T. GRCh37 (hg19) VCF-style: chr15-42107578-C-T.
Other names: c.1310C>T, p.Thr437Ile (NM_001128608.2); c.1292C>T, p.Thr431Ile (NM_001265611.2); short protein forms T431I, T437I.
Identifiers: ClinVar variation 2082833 (VCV002082833.1), dbSNP rs151201972, ClinGen allele CA7497794.